The following is an entry in ClinVar:

ClinVar aggregate classification (germline): Likely benign (1 of 4 stars; one submission).

Conditions:
Malignant hyperthermia, susceptibility to, 1 (MHS1). Also called: RYR1-Related Malignant Hyperthermia Susceptibility; Anesthesia related hyperthermia; Malignant hyperpyrexia; Fulminating hyperpyrexia; Pharmacogenic myopathy; Malignant hyperthermia suceptibility 1. Identifiers: Orphanet 423, MedGen C2930980, MONDO:0007783, OMIM 145600.

gnomAD v4.1: 9 of 1,606,714 alleles (0.00056%); highest among the groups gnomAD compares: Non-Finnish European, 0.00034%; no homozygotes.

Submission:

All of Us Research Program, National Institutes of Health
Classification: Likely benign for Malignant hyperthermia, susceptibility to, 1. Last evaluated: 2023-04-28. Review status: criteria provided, single submitter. Criteria: ACMG Guidelines, 2015. Collection method: clinical testing. Allele origin: germline. Inheritance: Autosomal dominant inheritance. Observed: 1 variant allele, 1 heterozygote.
Comment: This study involves interpretation of variants in research participants for the purpose of population health screening. Participant phenotype was not available at the time of variant classification. Additional details can be found in publication PMID: 35346344, PMCID: PMC8962531

NM_000540.3(RYR1):c.1281G>C (p.Ser427=)

Gene: RYR1 (ryanodine receptor 1; plus strand). Cytogenetic location: 19q13.2.
Variant type: single nucleotide variant.
Coding change: c.1281G>C on transcript NM_000540.3 (MANE Select); coding-DNA position 1281, G replaced by C.
Protein change: p.Ser427=; no amino-acid change (serine 427 retained).
Molecular consequence: synonymous variant.
Genome position (GRCh38, 1-based): chr19:38,452,855, G>C. VCF-style: chr19-38452855-G-C. GRCh37 (hg19) VCF-style: chr19-38943495-G-C.
Other names: c.1281G>C, p.Ser427= (NM_001042723.2).
Identifiers: ClinVar variation 3070544 (VCV003070544.1), dbSNP rs745635512, ClinGen allele CA059477.